The following is an entry in ClinVar:

NM_015559.3(SETBP1):c.1303A>G (p.Lys435Glu)

Gene: SETBP1 (SET binding protein 1; plus strand). Cytogenetic location: 18q12.3.
Variant type: single nucleotide variant.
Coding change: c.1303A>G on transcript NM_015559.3 (MANE Select); coding-DNA position 1303, A replaced by G.
Protein change: p.Lys435Glu; replaces lysine 435 with glutamic acid.
Molecular consequence: missense variant.
Genome position (GRCh38, 1-based): chr18:44,950,643, A>G. VCF-style: chr18-44950643-A-G. GRCh37 (hg19) VCF-style: chr18-42530608-A-G.
Other names: c.1303A>G, p.Lys435Glu (NM_001379141.1, NM_001379142.1); short protein forms K435E.
Identifiers: ClinVar variation 1327861 (VCV001327861.2), dbSNP rs2145097025, ClinGen allele CA402318238.

ClinVar aggregate classification (germline): Uncertain significance (1 of 4 stars; one submission).

Submission:

GeneDx
Classification: Uncertain significance. Last evaluated: 2021-06-07. Review status: criteria provided, single submitter. Criteria: GeneDx Variant Classification Process June 2021. Collection method: clinical testing. Allele origin: germline. Affected: yes.
Comment: Not observed at a significant frequency in large population cohorts (Lek et al., 2016); In silico analysis supports that this missense variant does not alter protein structure/function; Has not been previously published as pathogenic or benign to our knowledge; This variant is associated with the following publications: (PMID: 27535533)